The following is an entry in ClinVar:

NM_003128.3(SPTBN1):c.392A>G (p.Glu131Gly)

Gene: SPTBN1 (spectrin beta, non-erythrocytic 1; plus strand). Cytogenetic location: 2p16.2.
Variant type: single nucleotide variant.
Coding change: c.392A>G on transcript NM_003128.3 (MANE Select); coding-DNA position 392, A replaced by G.
Protein change: p.Glu131Gly; replaces glutamic acid 131 with glycine.
Molecular consequence: missense variant.
Genome position (GRCh38, 1-based): chr2:54,612,252, A>G. VCF-style: chr2-54612252-A-G. GRCh37 (hg19) VCF-style: chr2-54839389-A-G.
Other names: c.353A>G, p.Glu118Gly (NM_178313.3); short protein forms E118G, E131G.
Identifiers: ClinVar variation 5030189 (VCV005030189.1).

ClinVar aggregate classification (germline): Uncertain significance (1 of 4 stars; one submission).

Conditions:
Inborn genetic diseases. Identifiers: MedGen C0950123, MeSH D030342.

Submission:

Ambry Genetics
Classification: Uncertain significance for Inborn genetic diseases. Last evaluated: 2026-09-03. Review status: criteria provided, single submitter. Criteria: Ambry Variant Classification Scheme 2023. Collection method: clinical testing. Allele origin: germline.
Comment: The c.392A>G (p.E131G) alteration is located in exon 4 (coding exon 3) of the SPTBN1 gene. This alteration results from a A to G substitution at nucleotide position 392, causing the glutamic acid (E) at amino acid position 131 to be replaced by a glycine (G). This variant was not reported in population-based cohorts in the Genome Aggregation Database (gnomAD). This amino acid position is highly conserved in available vertebrate species. This missense variant is located in a region that has a low rate of benign missense variation (Lek, 2016; Firth, 2009). This alteration is predicted to be deleterious by in silico analysis. Based on insufficient or conflicting evidence, the clinical significance of this alteration remains unclear.